The following is an entry in ClinVar:

NM_006947.4(SRP72):c.1679-3C>T

Gene: SRP72 (signal recognition particle 72; plus strand). Cytogenetic location: 4q12.
Variant type: single nucleotide variant.
Coding change: c.1679-3C>T on transcript NM_006947.4 (MANE Select); 3 bases into the intron before coding-DNA position 1679, C replaced by T.
Molecular consequence: intron variant.
Genome position (GRCh38, 1-based): chr4:56,500,533, C>T. VCF-style: chr4-56500533-C-T. GRCh37 (hg19) VCF-style: chr4-57366699-C-T.
Other names: c.1496-3C>T (NM_001267722.2).
Identifiers: ClinVar variation 2792892 (VCV002792892.3), dbSNP rs2545776883, ClinGen allele CA2739270085.

ClinVar aggregate classification (germline): Uncertain significance (1 of 4 stars; one submission).

Submission:

Labcorp Genetics (formerly Invitae), Labcorp
Classification: Uncertain significance. Last evaluated: 2023-08-11. Review status: criteria provided, single submitter. Criteria: Invitae Variant Classification Sherloc (09022015). Collection method: clinical testing. Allele origin: germline.
Comment: In summary, the available evidence is currently insufficient to determine the role of this variant in disease. Therefore, it has been classified as a Variant of Uncertain Significance. This sequence change falls in intron 17 of the SRP72 gene. It does not directly change the encoded amino acid sequence of the SRP72 protein. It affects a nucleotide within the consensus splice site. This variant is not present in population databases (gnomAD no frequency). This variant has not been reported in the literature in individuals affected with SRP72-related conditions. Variants that disrupt the consensus splice site are a relatively common cause of aberrant splicing (PMID: 17576681, 9536098). Algorithms developed to predict the effect of sequence changes on RNA splicing suggest that this variant is not likely to affect RNA splicing.

Literature cited by the submitters: PubMed 17576681; PubMed 9536098.